The following is an entry in ClinVar:

NM_004804.3(CIAO1):c.193C>T (p.Arg65Trp)

Gene: CIAO1 (cytosolic iron-sulfur assembly component 1; plus strand). Cytogenetic location: 2q11.2.
Variant type: single nucleotide variant.
Coding change: c.193C>T on transcript NM_004804.3 (MANE Select); coding-DNA position 193, C replaced by T.
Protein change: p.Arg65Trp; replaces arginine 65 with tryptophan.
Molecular consequence: missense variant.
Genome position (GRCh38, 1-based): chr2:96,267,374, C>T. VCF-style: chr2-96267374-C-T. GRCh37 (hg19) VCF-style: chr2-96933112-C-T.
Other names: c.193C>T (NM_004804.2); short protein forms R65W.
Identifiers: ClinVar variation 3341097 (VCV003341097.5).
Genomic context (GRCh38, chr2:96,267,374, plus strand): 5'-CCTTTAGGTGACAGCTGGATCTGCAAGTCTGTCCTTTCTGAAGGCCACCAGCGCACCGTG[C>T]GGAAGGTAGCCTGGTCCCCCTGCGGTAATTACCTGGCCTCTGCCAGCTTTGATGCTACCA-3'
Protein context (NP_004795.1, residues 55-75): VLSEGHQRTV[Arg65Trp]KVAWSPCGNY

ClinVar aggregate classification (germline): Conflicting classifications of pathogenicity. Review status: criteria provided, conflicting classifications (1 of 4 stars). 5 submissions from 5 submitters: Likely pathogenic (2); Uncertain significance (2). 1 of the submissions does not count toward it. Last evaluated 2026-05-29.

Conditions:
Neuromuscular disease. Also called: Neuromuscular disorder; Neuromyopathy. Identifiers: Orphanet 68381, MedGen C0027868, MeSH D009468, MONDO:0019056.
CIAO1-related condition.
Multiple mitochondrial dysfunctions syndrome 10. Identifiers: MedGen C5975413, MONDO:0975806, OMIM 620960.

gnomAD v4.1: 2,647 of 1,614,138 alleles (0.16%); highest among the groups gnomAD compares: Non-Finnish European, 0.2%; no homozygotes.

Submissions (5):

PreventionGenetics, part of Exact Sciences
Classification: Uncertain significance for CIAO1-related condition. Last evaluated: 2026-05-29. Review status: criteria provided, single submitter. Criteria: ACMG Guidelines, 2015. Collection method: clinical testing. Allele origin: germline.
Comment: The CIAO1 c.193C>T variant is predicted to result in the amino acid substitution p.Arg65Trp. This variant has been reported in the compound heterozygous state in several individuals with features of multiple mitochondrial dysfunctions syndrome 10 (Maio et al. 2024. PubMed ID: 38950322; van Karnebeek et al. 2024. PubMed ID: 38411040). Independent experimental studies using patient-derived fibroblasts suggest this variant impacts CIAO1 stability, function, and cytoplasmic Fe-S assembly (CIA) complex biogenesis capabilities (Maio et al. 2024. PubMed ID: 38950322; van Karnebeek et al. 2024. PubMed ID: 38411040). This variant is reported in 0.22% of alleles in individuals of Ashkenazi Jewish descent in gnomAD. Although we suspect that this variant may be pathogenic, at this time, the clinical significance of this variant is uncertain due to the absence of conclusive functional and genetic evidence.

First Genomix Gene Laboratory, Genetic Diagnostics Department
Classification: Likely pathogenic for Multiple mitochondrial dysfunctions syndrome 10. Last evaluated: 2025-09-19. Review status: criteria provided, single submitter. Criteria: ACMG Guidelines, 2015. Collection method: clinical testing. Allele origin: germline. Inheritance: Autosomal recessive inheritance. Affected: no. Observed: 1 variant allele.

Dasa
Classification: Likely pathogenic. Last evaluated: 2025-07-28. Review status: criteria provided, single submitter. Criteria: DASA Assertion Criteria. Collection method: clinical testing. Allele origin: germline.
Comment: NM_004804.3(CIAO1):c.193C>T (p.Arg65Trp) is a missense variant that results in the substitution of arginine with tryptophan. This variant has been recurrently observed in individuals with CIAO1-related disorders (PMID: 38411040; PMID: 38950322). Functional evidence supports an impact on the gene or gene product (PMID: 38411040; PMID: 38950322). Also, this variant is rare in population databases. Based on the currently available evidence, this variant is classified as likely pathogenic.

Broad Center for Mendelian Genomics, Broad Institute of MIT and Harvard
Classification: Uncertain significance for Neuromuscular disease. Last evaluated: 2024-12-11. Review status: criteria provided, single submitter. Criteria: ACMG Guidelines, 2015. Collection method: curation. Allele origin: germline. Inheritance: Autosomal recessive inheritance. Study: GREGoR Consortium.
Comment: This phase of these variants are unknown at this time. The p.Arg65Trp variant in CIAO1 has also been reported in 3 additional unrelated individuals with neuromuscular disease (PMID: 38411040, 38950322), and has been identified in 0.2% (61/29604) of Ashkenazi Jewish chromosomes by the Genome Aggregation Database (gnomAD; dbSNP rs11544859). Although this variant has been seen in the general population in a heterozygous state, its frequency is not high enough to rule out a pathogenic role. This variant has also been reported in ClinVar (Variation ID: 3341097) and has been interpreted as likely pathogenic by OMIM. Of the 4 affected individuals, 1 was a compound heterozygote that carried a reported likely pathogenic variant in trans, which increases the likelihood that the p.Arg65Trp variant is pathogenic (PMID: 38950322, Variation ID: 3341096).In vitro functional studies provide some evidence that the p.Arg65Trp variant may impact protein function (PMID: 38196629). However, these types of assays may not accurately represent biological function. Computational prediction tools and conservation analyses do not provide strong support for or against an impact to the protein. Furthermore, although this gene has been reported in association with neuromuscular disease, it currently has moderate evidence for these associations. In summary, while there is some suspicion for a pathogenic role, the clinical significance of this variant is uncertain. ACMG/AMP Criteria applied: PM3, PS3_moderate (Richards 2015).

OMIM
Classification: Pathogenic for MULTIPLE MITOCHONDRIAL DYSFUNCTIONS SYNDROME 10. Last evaluated: 2024-09-25. Review status: no assertion criteria provided. Collection method: literature only. Allele origin: germline. Not counted in ClinVar's aggregate classification.

Literature cited by the submitters: PubMed 38950322 (cited by Dasa and OMIM); PubMed 38411040 (cited by Dasa).